The following is an entry in ClinVar:

NC_000010.11:g.(?_12118729)_(12120287_?)del

Gene: DHTKD1 (dehydrogenase E1 and transketolase domain containing 1; plus strand). Cytogenetic location: 10p14.
Variant type: Deletion.
Identifiers: ClinVar variation 832407 (VCV000832407.9).

ClinVar aggregate classification (germline): Uncertain significance (1 of 4 stars; one submission).

Conditions:
2-aminoadipic 2-oxoadipic aciduria (AAKAD). Also called: Aminoadipic aciduria; ALPHA-AMINOADIPIC AND ALPHA-KETOADIPIC ACIDURIA. Identifiers: Orphanet 79154, MedGen C1859817, MONDO:0008774, OMIM 204750.

Submission:

Labcorp Genetics (formerly Invitae), Labcorp
Classification: Uncertain significance for 2-aminoadipic 2-oxoadipic aciduria. Last evaluated: 2023-10-13. Review status: criteria provided, single submitter. Criteria: Invitae Variant Classification Sherloc (09022015). Collection method: clinical testing. Allele origin: germline.
Comment: This variant is a gross deletion of the genomic region encompassing exon(s) 15-16 of the DHTKD1 gene. While this deletion is not anticipated to lead to nonsense mediated decay, it is expected to disrupt the C-terminus of the protein. This variant has not been reported in the literature in individuals affected with DHTKD1-related conditions. Experimental studies and prediction algorithms are not available or were not evaluated, and the functional significance of this variant is currently unknown. In summary, the available evidence is currently insufficient to determine the role of this variant in disease. Therefore, it has been classified as a Variant of Uncertain Significance.